The following is an entry in ClinVar:

NM_015338.6(ASXL1):c.1271T>G (p.Leu424Arg)

Gene: ASXL1 (ASXL transcriptional regulator 1; plus strand). Cytogenetic location: 20q11.21.
Variant type: single nucleotide variant.
Coding change: c.1271T>G on transcript NM_015338.6 (MANE Select); coding-DNA position 1271, T replaced by G.
Protein change: p.Leu424Arg; replaces leucine 424 with arginine.
Molecular consequence: missense variant.
Genome position (GRCh38, 1-based): chr20:32,433,469, T>G. VCF-style: chr20-32433469-T-G. GRCh37 (hg19) VCF-style: chr20-31021272-T-G.
Other names: c.1088T>G, p.Leu363Arg (NM_001363734.1); short protein forms L363R, L424R.
Identifiers: ClinVar variation 3792836 (VCV003792836.1).

ClinVar aggregate classification (germline): Uncertain significance (1 of 4 stars; one submission).

Conditions:
Inborn genetic diseases. Identifiers: MedGen C0950123, MeSH D030342.

Submission:

Ambry Genetics
Classification: Uncertain significance for Inborn genetic diseases. Last evaluated: 2025-01-27. Review status: criteria provided, single submitter. Criteria: Ambry Variant Classification Scheme 2023. Collection method: clinical testing. Allele origin: germline.
Comment: The p.L424R variant (also known as c.1271T>G), located in coding exon 12 of the ASXL1 gene, results from a T to G substitution at nucleotide position 1271. The leucine at codon 424 is replaced by arginine, an amino acid with dissimilar properties. This amino acid position is conserved. In addition, this alteration is predicted to be tolerated by in silico analysis. Based on the available evidence, the clinical significance of this variant remains unclear.